The following is an entry in ClinVar:

ClinVar aggregate classification (germline): Uncertain significance. Review status: criteria provided, multiple submitters, no conflicts (2 of 4 stars). 4 submissions from 4 submitters: Uncertain significance (3). 1 of the submissions does not count toward it. Last evaluated 2025-09-01.

Conditions:
Inborn genetic diseases. Identifiers: MedGen C0950123, MeSH D030342.
Cognitive impairment - coarse facies - heart defects - obesity - pulmonary involvement - short stature - skeletal dysplasia syndrome. Also called: AFF4-Related CHOPS Syndrome; COGNITIVE IMPAIRMENT, COARSE FACIES, HEART DEFECTS, OBESITY, PULMONARY INVOLVEMENT, SHORT STATURE, AND SKELETAL DYSPLASIA; Chops syndrome. Identifiers: Orphanet 444077, MedGen C4085597, MONDO:0014609, OMIM 616368.
AFF4-related disorder. Also called: AFF4-related condition.

gnomAD v4.1: 35 of 1,614,028 alleles (0.0022%); highest among the groups gnomAD compares: East Asian, 0.018%; no homozygotes.

Submissions (4):

Labcorp Genetics (formerly Invitae), Labcorp
Classification: Uncertain significance for Cognitive impairment - coarse facies - heart defects - obesity - pulmonary involvement - short stature - skeletal dysplasia syndrome. Last evaluated: 2025-09-01. Review status: criteria provided, single submitter. Criteria: Invitae Variant Classification Sherloc (09022015). Collection method: clinical testing. Allele origin: germline.
Comment: This sequence change replaces methionine, which is neutral and non-polar, with valine, which is neutral and non-polar, at codon 696 of the AFF4 protein (p.Met696Val). This variant is present in population databases (rs755637887, gnomAD 0.007%). This variant has not been reported in the literature in individuals affected with AFF4-related conditions. ClinVar contains an entry for this variant (Variation ID: 3350506). Invitae Evidence Modeling of protein sequence and biophysical properties (such as structural, functional, and spatial information, amino acid conservation, physicochemical variation, residue mobility, and thermodynamic stability) indicates that this missense variant is not expected to disrupt AFF4 protein function with a negative predictive value of 80%. In summary, the available evidence is currently insufficient to determine the role of this variant in disease. Therefore, it has been classified as a Variant of Uncertain Significance.

Ambry Genetics
Classification: Uncertain significance for Inborn genetic diseases. Last evaluated: 2024-09-30. Review status: criteria provided, single submitter. Criteria: Ambry Variant Classification Scheme 2023. Collection method: clinical testing. Allele origin: germline.

Blueprint Genetics
Classification: Uncertain significance. Last evaluated: 2024-05-10. Review status: criteria provided, single submitter. Criteria: ACMG Guidelines, 2015. Collection method: clinical testing. Allele origin: germline.

PreventionGenetics, part of Exact Sciences
Classification: Uncertain significance for AFF4-related condition. Last evaluated: 2024-03-01. Review status: no assertion criteria provided. Collection method: clinical testing. Allele origin: germline. Not counted in ClinVar's aggregate classification.
Comment: The AFF4 c.2086A>G variant is predicted to result in the amino acid substitution p.Met696Val. To our knowledge, this variant has not been reported in the literature. This variant is reported in 0.0062% of alleles in individuals of African descent in gnomAD. At this time, the clinical significance of this variant is uncertain due to the absence of conclusive functional and genetic evidence.

NM_014423.4(AFF4):c.2086A>G (p.Met696Val)

Gene: AFF4 (ALF transcription elongation factor 4; minus strand). Cytogenetic location: 5q31.1.
Variant type: single nucleotide variant.
Coding change: c.2086A>G on transcript NM_014423.4 (MANE Select); coding-DNA position 2086, A replaced by G.
Protein change: p.Met696Val; replaces methionine 696 with valine.
Molecular consequence: missense variant.
Genome position (GRCh38, 1-based): chr5:132,896,544, T>C on the plus strand (A>G on the coding strand, the complement: AFF4 is on the minus strand). VCF-style: chr5-132896544-T-C. GRCh37 (hg19) VCF-style: chr5-132232236-T-C.
Other names: short protein forms M696V.
Identifiers: ClinVar variation 3350506 (VCV003350506.4).